The following is an entry in ClinVar:

ClinVar aggregate classification (germline): Pathogenic/Likely pathogenic. Review status: criteria provided, multiple submitters, no conflicts (2 of 4 stars). 3 submissions from 3 submitters: Pathogenic (1); Likely pathogenic (1). 1 of the submissions does not count toward it. Last evaluated 2022-06-24.

Conditions:
Charcot-Marie-Tooth disease type 4. Also called: Charcot-Marie-Tooth disease, type IV; Charcot-Marie-Tooth, Type 4. Identifiers: Orphanet 64749, MedGen C4082197, MONDO:0018995.
Charcot-Marie-Tooth disease type 4J (CMT4J). Also called: CHARCOT-MARIE-TOOTH DISEASE, AUTOSOMAL RECESSIVE, TYPE 4J; CHARCOT-MARIE-TOOTH DISEASE, DEMYELINATING, TYPE 4J; Charcot-Marie-Tooth Neuropathy Type 4J. Identifiers: Orphanet 139515, MedGen C1970011, MONDO:0012640, OMIM 611228.

Allele frequency attached by ClinVar (database versions not stated): gnomAD exomes below 0.00001.
gnomAD v4.1: 3 of 1,594,186 alleles (0.00019%); highest among the groups gnomAD compares: Non-Finnish European, 0.00026%; no homozygotes.

Submissions (3):

Revvity Omics, Revvity
Classification: Likely pathogenic. Last evaluated: 2022-06-24. Review status: criteria provided, single submitter. Criteria: ACMG Guidelines, 2015. Collection method: clinical testing. Allele origin: germline.

Labcorp Genetics (formerly Invitae), Labcorp
Classification: Pathogenic for Charcot-Marie-Tooth disease type 4. Last evaluated: 2018-11-13. Review status: criteria provided, single submitter. Criteria: Invitae Variant Classification Sherloc (09022015). Collection method: clinical testing. Allele origin: germline.
Comment: For these reasons, this variant has been classified as Pathogenic. Loss-of-function variants in FIG4 are known to be pathogenic (PMID: 23623387). This variant has been reported in the heterozygous state in an individual affected with distal motor neuropathy and optic atrophy (PMID: 28251916). This variant has also been reported in an individual who underwent testing for Charcot-Marie-Tooth disease (PMID: 25614874). This variant is not present in population databases (ExAC no frequency). This sequence change creates a premature translational stop signal (p.Gln796*) in the FIG4 gene. It is expected to result in an absent or disrupted protein product.

Inherited Neuropathy Consortium Ii, University Of Miami
Classification: Uncertain significance for Charcot-Marie-Tooth disease type 4J. Last evaluated: 2016-01-06. Review status: no assertion criteria provided. Collection method: literature only. Allele origin: germline. Affected: yes. Not counted in ClinVar's aggregate classification.

Literature cited by the submitters: PubMed 23623387 (cited by Labcorp Genetics (formerly Invitae), Labcorp); PubMed 28251916 (cited by Labcorp Genetics (formerly Invitae), Labcorp); PubMed 25614874 (cited by Labcorp Genetics (formerly Invitae), Labcorp and Inherited Neuropathy Consortium Ii, University Of Miami).

NM_014845.6(FIG4):c.2386C>T (p.Gln796Ter)

Gene: FIG4 (FIG4 phosphoinositide 5-phosphatase; plus strand). Cytogenetic location: 6q21.
Variant type: single nucleotide variant.
Coding change: c.2386C>T on transcript NM_014845.6 (MANE Select); coding-DNA position 2386, C replaced by T.
Protein change: p.Gln796Ter; replaces glutamine 796 with a stop codon.
Molecular consequence: nonsense.
Genome position (GRCh38, 1-based): chr6:109,792,591, C>T. VCF-style: chr6-109792591-C-T. GRCh37 (hg19) VCF-style: chr6-110113794-C-T.
Other names: short protein forms Q796*.
Identifiers: ClinVar variation 567685 (VCV000567685.13), dbSNP rs1554309093, ClinGen allele CA365217118.